The following is an entry in ClinVar:

NM_001127222.2(CACNA1A):c.7087C>T (p.Arg2363Cys)

Gene: CACNA1A (calcium voltage-gated channel subunit alpha1 A; minus strand). Cytogenetic location: 19p13.13.
Variant type: single nucleotide variant.
Coding change: c.7087C>T on transcript NM_001127222.2 (MANE Select); coding-DNA position 7087, C replaced by T.
Protein change: p.Arg2363Cys; replaces arginine 2363 with cysteine.
Molecular consequence: missense variant. On other transcripts: 3 prime UTR variant (3).
Genome position (GRCh38, 1-based): chr19:13,207,747, G>A on the plus strand (C>T on the coding strand, the complement: CACNA1A is on the minus strand). VCF-style: chr19-13207747-G-A. GRCh37 (hg19) VCF-style: chr19-13318561-G-A.
Other names: c.*299C>T (NM_000068.4, NM_001127221.2, NM_001174080.2); c.7105C>T, p.Arg2369Cys (NM_023035.3); short protein forms R2363C, R2369C.
Identifiers: ClinVar variation 1802276 (VCV001802276.4), dbSNP rs745912967, ClinGen allele CA9239215.

ClinVar aggregate classification (germline): Uncertain significance. Review status: criteria provided, multiple submitters, no conflicts (2 of 4 stars). 2 submissions from 2 submitters: Uncertain significance (2). Last evaluated 2022-06-22.

Conditions:
Spinocerebellar ataxia type 6 (SCA6). Identifiers: Orphanet 98758, MedGen C0752124, MONDO:0008457, OMIM 183086.

Allele frequency attached by ClinVar (database versions not stated): gnomAD 0.00001; TOPMed 0.00001; ExAC 0.00041.
gnomAD v4.1: 26 of 1,370,166 alleles (0.0019%); highest among the groups gnomAD compares: Non-Finnish European, 0.0022%; no homozygotes.

Submissions (2):

Diagnostics Services (NGS), CSIR - Centre For Cellular And Molecular Biology
Classification: Uncertain significance for Spinocerebellar ataxia type 6. Last evaluated: 2022-06-22. Review status: criteria provided, single submitter. Criteria: ACMG Guidelines, 2015. Collection method: clinical testing. Allele origin: unknown. Affected: yes. Observed: 1 variant allele, 1 heterozygote.
Comment: The c.7105C>T variant is not present in publicly available population databases like 1000 Genomes, Exome Variant Server (EVS) and Indian Exome Database. The heterozygous state of the variant is present in Genome Aggregation Database (gnomAD), at a low frequency. The variant is not present in our in-house exome database. The variant was not reported to ClinVar, Human Genome Mutation Database (HGMD) and/or OMIM databases, in any affected individuals. In-silico pathogenicity prediction programs like SIFT, PolyPhen-2, MutationTaster2, CADD etc. predicted this variant to be likely deleterious, however these predictions were not confirmed by any published functional studies.

Blueprint Genetics
Classification: Uncertain significance. Last evaluated: 2022-05-16. Review status: criteria provided, single submitter. Criteria: ACMG Guidelines, 2015. Collection method: clinical testing. Allele origin: germline.